The following is an entry in ClinVar:

ClinVar aggregate classification (germline): Uncertain significance. Review status: criteria provided, multiple submitters, no conflicts (2 of 4 stars). 4 submissions from 4 submitters: Uncertain significance (3). 1 of the submissions does not count toward it. Last evaluated 2025-09-28.

Conditions:
CFTR-related disorder (CFTR-RD). Also called: CFTR-related disorders; CFTR-related condition. Identifiers: MedGen C5924204, MONDO:7770004.
Cystic fibrosis (CF). Also called: MUCOVISCIDOSIS. Identifiers: Orphanet 586, MedGen C0010674, MONDO:0009061, OMIM 219700. Disease mechanism: loss of function.

Allele frequency attached by ClinVar (database versions not stated): TOPMed 0.00001.
gnomAD v4.1: 3 of 1,614,116 alleles (0.00019%); highest among the groups gnomAD compares: Non-Finnish European, 0.00017%; no homozygotes.

Submissions (4):

Labcorp Genetics (formerly Invitae), Labcorp
Classification: Uncertain significance for Cystic fibrosis. Last evaluated: 2025-09-28. Review status: criteria provided, single submitter. Criteria: Invitae Variant Classification Sherloc (09022015). Collection method: clinical testing. Allele origin: germline.
Comment: This sequence change replaces valine, which is neutral and non-polar, with alanine, which is neutral and non-polar, at codon 317 of the CFTR protein (p.Val317Ala). This variant is not present in population databases (gnomAD no frequency). This missense change has been observed in individual(s) with cystic fibrosis (PMID: 28544683). ClinVar contains an entry for this variant (Variation ID: 495964). Invitae Evidence Modeling of protein sequence and biophysical properties (such as structural, functional, and spatial information, amino acid conservation, physicochemical variation, residue mobility, and thermodynamic stability) indicates that this missense variant is not expected to disrupt CFTR protein function with a negative predictive value of 80%. In summary, the available evidence is currently insufficient to determine the role of this variant in disease. Therefore, it has been classified as a Variant of Uncertain Significance.

Ambry Genetics
Classification: Uncertain significance for Cystic fibrosis. Last evaluated: 2024-05-29. Review status: criteria provided, single submitter. Criteria: Ambry Variant Classification Scheme 2023. Collection method: clinical testing. Allele origin: germline.
Comment: The p.V317A variant (also known as c.950T>C), located in coding exon 8 of the CFTR gene, results from a T to C substitution at nucleotide position 950. The valine at codon 317 is replaced by alanine, an amino acid with similar properties. This variant has been identified in the heterozygous state in a newborn screening cohort (F&eacute;rec C et al. Hum Genet, 1995 Nov;96:542-8) and a cystic fibrosis cohort, but clinical details were limited (Soltysova A et al. Clin Respir J, 2018 Mar;12:1197-1206). This amino acid position is highly conserved in available vertebrate species. In addition, this alteration is predicted to be deleterious by in silico analysis. Based on the available evidence, the clinical significance of this variant remains unclear.

Women's Health and Genetics/Laboratory Corporation of America, LabCorp
Classification: Uncertain significance. Last evaluated: 2024-02-02. Review status: criteria provided, single submitter. Criteria: LabCorp Variant Classification Summary - May 2015. Collection method: clinical testing. Allele origin: germline.
Comment: Variant summary: CFTR c.950T>C (p.Val317Ala) results in a non-conservative amino acid change located in the ABC transporter type 1, transmembrane domain (IPR011527) of the encoded protein sequence. Four of five in-silico tools predict a damaging effect of the variant on protein function. The variant was absent in 251684 control chromosomes. The available data on variant occurrences in the general population are insufficient to allow any conclusion about variant significance. c.950T>C has been reported in the literature in neuonates with hypertrypsinaemia, without strong evidence for causality (example, Bauca_2015, Ferec_1995, Scotet_2001) . These report(s) do not provide unequivocal conclusions about association of the variant with Cystic Fibrosis. At least one publication reports experimental evidence evaluating an impact on protein function. These results showed a similar single channel conductance, rectification ratio, and thiocyanate permeability of this variant when compared to wild-type using patch clamp recording in hamster kidney cells (Ge_2004). The following publications have been ascertained in the context of this evaluation (PMID: 8530001, 11168024, 25735457, 25680858, 15504721). ClinVar contains an entry for this variant (Variation ID: 495964). Based on the evidence outlined above, the variant was classified as VUS-possibly benign.

Natera, Inc.
Classification: Uncertain significance for CFTR-related disorders. Last evaluated: 2021-06-29. Review status: no assertion criteria provided. Collection method: clinical testing. Allele origin: germline. Not counted in ClinVar's aggregate classification.

Literature cited by the submitters: PubMed 28544683 (cited by Labcorp Genetics (formerly Invitae), Labcorp and Ambry Genetics); PubMed 8530001 (cited by Ambry Genetics and Women's Health and Genetics/Laboratory Corporation of America, LabCorp); PubMed 11168024 (cited by Women's Health and Genetics/Laboratory Corporation of America, LabCorp); PubMed 25735457 (cited by Women's Health and Genetics/Laboratory Corporation of America, LabCorp); PubMed 25680858 (cited by Women's Health and Genetics/Laboratory Corporation of America, LabCorp); PubMed 15504721 (cited by Women's Health and Genetics/Laboratory Corporation of America, LabCorp).

NM_000492.4(CFTR):c.950T>C (p.Val317Ala)

Gene: CFTR (CF transmembrane conductance regulator; plus strand). Cytogenetic location: 7q31.2.
Variant type: single nucleotide variant.
Coding change: c.950T>C on transcript NM_000492.4 (MANE Select); coding-DNA position 950, T replaced by C.
Protein change: p.Val317Ala; replaces valine 317 with alanine.
Molecular consequence: missense variant.
Genome position (GRCh38, 1-based): chr7:117,540,180, T>C. VCF-style: chr7-117540180-T-C. GRCh37 (hg19) VCF-style: chr7-117180234-T-C.
Other names: short protein forms V317A.
Identifiers: ClinVar variation 495964 (VCV000495964.7), dbSNP rs1204521684, ClinGen allele CA368978444.